The following is an entry in ClinVar:

NM_002474.3(MYH11):c.4048G>C (p.Asp1350His)

Genes: MYH11 (myosin heavy chain 11; minus strand), NDE1 (nudE neurodevelopment protein 1; plus strand). Cytogenetic location: 16p13.11.
Variant type: single nucleotide variant.
Coding change: c.4048G>C on transcript NM_002474.3 (MANE Select); coding-DNA position 4048, G replaced by C.
Protein change: p.Asp1350His; replaces aspartic acid 1350 with histidine.
Molecular consequence: missense variant. On other transcripts: 3 prime UTR variant (2).
Genome position (GRCh38, 1-based): chr16:15,724,715, C>G on the plus strand (G>C on the coding strand, the complement: MYH11 is on the minus strand). VCF-style: chr16-15724715-C-G. GRCh37 (hg19) VCF-style: chr16-15818572-C-G.
Other names: c.4069G>C, p.Asp1357His (NM_001040113.2, NM_001040114.2); c.4048G>C, p.Asp1350His (NM_022844.3); c.*464C>G (NM_001143979.2, NM_017668.3); short protein forms D1357H, D1350H.
Identifiers: ClinVar variation 2773817 (VCV002773817.2), dbSNP rs1285916662, ClinGen allele CA394858310.
Genomic context (GRCh38, chr16:15,724,715, plus strand): 5'-TGAGAGTGGAGATGTGGCGCTCCAGGTTCTGCTTGGCCTCCATCTCCTCGTCCAGCTGGT[C>G]TTGCAGGCTGTTCCGCTCCTCCTCCAGCTGGCGCAGCTTCGTAGACACGTTGAGCTTCTG-3'
Protein context (NP_002465.1, residues 1340-1360): QLEEERNSLQ[Asp1350His]QLDEEMEAKQ

ClinVar aggregate classification (germline): Uncertain significance (1 of 4 stars; one submission).

Conditions:
Familial thoracic aortic aneurysm and aortic dissection (TAAD). Also called: Thoracic aortic aneurysms and dissections. Identifiers: Orphanet 91387, MedGen C4707243, MONDO:0019625.

Allele frequency attached by ClinVar (database versions not stated): gnomAD 0.00001; TOPMed 0.00001.
gnomAD v4.1: 2 of 1,614,100 alleles (0.00012%); highest among the groups gnomAD compares: African/African-American, 0.0027%; no homozygotes.

Submission:

Color Diagnostics, LLC DBA Color Health
Classification: Uncertain significance for Familial thoracic aortic aneurysm and aortic dissection. Last evaluated: 2024-03-07. Review status: criteria provided, single submitter. Criteria: ACMG Guidelines, 2015. Collection method: clinical testing. Allele origin: germline.
Comment: This missense variant replaces aspartic acid with histidine at codon 1357 of the MYH11 protein. Computational prediction suggests that this variant may not impact protein structure and function (internally defined REVEL score threshold <= 0.5, PMID: 27666373). To our knowledge, functional studies have not been reported for this variant. This variant has not been reported in individuals affected with cardiovascular disorders in the literature. This variant has been identified in 1/31392 chromosomes in the general population by the Genome Aggregation Database (gnomAD). The available evidence is insufficient to determine the role of this variant in disease conclusively. Therefore, this variant is classified as a Variant of Uncertain Significance.